The following is an entry in ClinVar:

ClinVar aggregate classification (germline): Uncertain significance. Review status: criteria provided, multiple submitters, no conflicts (2 of 4 stars). 5 submissions from 5 submitters: Uncertain significance (4). 1 of the submissions does not count toward it. Last evaluated 2026-03-14.

Conditions:
Cohen syndrome (COH1). Also called: PEPPER SYNDROME; Cutis verticis gyrata, retinitis pigmentosa, and sensorineural deafness. Identifiers: Orphanet 193, MedGen C0265223, MONDO:0008999, OMIM 216550.
VPS13B-related disorder. Also called: VPS13B-related condition.
Inborn genetic diseases. Identifiers: MedGen C0950123, MeSH D030342.

Allele frequency attached by ClinVar (database versions not stated): gnomAD 0.00001 and 0.00002; gnomAD exomes 0.00001 and 0.00002; TOPMed 0.00001; ExAC 0.00002; 1000 Genomes Project 30x 0.00016; 1000 Genomes Project 0.00020.
gnomAD v4.1: 22 of 1,613,462 alleles (0.0014%); highest among the groups gnomAD compares: Middle Eastern, 0.017%; no homozygotes.

Submissions (5):

PreventionGenetics, part of Exact Sciences
Classification: Uncertain significance for VPS13B-related condition. Last evaluated: 2026-03-14. Review status: criteria provided, single submitter. Criteria: ACMG Guidelines, 2015. Collection method: clinical testing. Allele origin: germline.
Comment: The VPS13B c.827G>A variant is predicted to result in the amino acid substitution p.Arg276His. To our knowledge, this variant has not been reported in the literature. This variant is reported in 0.0046% of alleles in individuals of European (Finnish) descent in gnomAD. At this time, the clinical significance of this variant is uncertain due to the absence of conclusive functional and genetic evidence.

Ambry Genetics
Classification: Uncertain significance for Inborn genetic diseases. Last evaluated: 2025-12-16. Review status: criteria provided, single submitter. Criteria: Ambry Variant Classification Scheme 2023. Collection method: clinical testing. Allele origin: germline.

Labcorp Genetics (formerly Invitae), Labcorp
Classification: Uncertain significance for Cohen syndrome. Last evaluated: 2024-10-17. Review status: criteria provided, single submitter. Criteria: Invitae Variant Classification Sherloc (09022015). Collection method: clinical testing. Allele origin: germline.
Comment: This sequence change replaces arginine, which is basic and polar, with histidine, which is basic and polar, at codon 276 of the VPS13B protein (p.Arg276His). This variant is present in population databases (rs181021782, gnomAD 0.004%). This variant has not been reported in the literature in individuals affected with VPS13B-related conditions. ClinVar contains an entry for this variant (Variation ID: 861110). Invitae Evidence Modeling of protein sequence and biophysical properties (such as structural, functional, and spatial information, amino acid conservation, physicochemical variation, residue mobility, and thermodynamic stability) indicates that this missense variant is expected to disrupt VPS13B protein function with a positive predictive value of 80%. In summary, the available evidence is currently insufficient to determine the role of this variant in disease. Therefore, it has been classified as a Variant of Uncertain Significance.

Mayo Clinic Laboratories, Mayo Clinic
Classification: Uncertain significance. Last evaluated: 2019-12-18. Review status: criteria provided, single submitter. Criteria: ACMG Guidelines, 2015. Collection method: clinical testing. Allele origin: germline. Observed: 1 variant allele.

Natera, Inc.
Classification: Uncertain significance for Cohen syndrome. Last evaluated: 2020-03-10. Review status: no assertion criteria provided. Collection method: clinical testing. Allele origin: germline. Not counted in ClinVar's aggregate classification.

NM_152564.5(VPS13B):c.827G>A (p.Arg276His)

Gene: VPS13B (vacuolar protein sorting 13 homolog B; plus strand). Cytogenetic location: 8q22.2.
Variant type: single nucleotide variant.
Coding change: c.827G>A on transcript NM_152564.5 (MANE Select); coding-DNA position 827, G replaced by A.
Protein change: p.Arg276His; replaces arginine 276 with histidine.
Molecular consequence: missense variant. On other transcripts: non-coding transcript variant (1).
Genome position (GRCh38, 1-based): chr8:99,115,764, G>A. VCF-style: chr8-99115764-G-A. GRCh37 (hg19) VCF-style: chr8-100127992-G-A.
Other names: c.827G>A (NM_152564.4); c.827G>A, p.Arg276His (NM_015243.3, NM_017890.5, NM_181661.3); short protein forms R276H.
Identifiers: ClinVar variation 861110 (VCV000861110.18), dbSNP rs181021782, ClinGen allele CA4822485.
Genomic context (GRCh38, chr8:99,115,764, plus strand): 5'-ATACTTTAGTGGAAAGTTTGAAACTTTCTATCACAGATCAACAACTGCCTATGTTTATTC[G>A]TATAATGCAACTTGGAATTGCTCTTTACTATGGAGAAATAGGCAATTTTAAAGAAGGCGA-3'
Protein context (NP_689777.3, residues 266-286): ITDQQLPMFI[Arg276His]IMQLGIALYY